The following is an entry in ClinVar:

ClinVar aggregate classification (germline): Uncertain significance. Review status: criteria provided, multiple submitters, no conflicts (2 of 4 stars). 2 submissions from 2 submitters: Uncertain significance (2). Last evaluated 2025-11-04.

Conditions:
Inborn genetic diseases. Identifiers: MedGen C0950123, MeSH D030342.

gnomAD v4.1: 32 of 1,612,440 alleles (0.002%); highest among the groups gnomAD compares: Non-Finnish European, 0.0022%; no homozygotes.

Submissions (2):

Labcorp Genetics (formerly Invitae), Labcorp
Classification: Uncertain significance. Last evaluated: 2025-11-04. Review status: criteria provided, single submitter. Criteria: Invitae Variant Classification Sherloc (09022015). Collection method: clinical testing. Allele origin: germline.
Comment: This sequence change replaces leucine, which is neutral and non-polar, with phenylalanine, which is neutral and non-polar, at codon 540 of the ERCC6L2 protein (p.Leu540Phe). This variant is present in population databases (rs544535523, gnomAD 0.01%). This variant has not been reported in the literature in individuals affected with ERCC6L2-related conditions. ClinVar contains an entry for this variant (Variation ID: 3510036). Experimental studies and prediction algorithms are not available or were not evaluated, and the functional significance of this variant is currently unknown. Algorithms developed to predict the effect of sequence changes on RNA splicing suggest that this variant may disrupt the consensus splice site. In summary, the available evidence is currently insufficient to determine the role of this variant in disease. Therefore, it has been classified as a Variant of Uncertain Significance.

Ambry Genetics
Classification: Uncertain significance for Inborn genetic diseases. Last evaluated: 2024-12-09. Review status: criteria provided, single submitter. Criteria: Ambry Variant Classification Scheme 2023. Collection method: clinical testing. Allele origin: germline.
Comment: The p.L529F variant (also known as c.1585C>T), located in coding exon 10 of the ERCC6L2 gene, results from a C to T substitution at nucleotide position 1585. The leucine at codon 529 is replaced by phenylalanine, an amino acid with highly similar properties. This amino acid position is conserved. In addition, the in silico prediction for this alteration is inconclusive. Based on the available evidence, the clinical significance of this variant remains unclear.

NM_020207.7(ERCC6L2):c.1585C>T (p.Leu529Phe)

Gene: ERCC6L2 (ERCC excision repair 6 like 2; plus strand). Cytogenetic location: 9q22.32.
Variant type: single nucleotide variant.
Coding change: c.1585C>T on transcript NM_020207.7 (MANE Select); coding-DNA position 1585, C replaced by T.
Protein change: p.Leu529Phe; replaces leucine 529 with phenylalanine.
Molecular consequence: missense variant. On other transcripts: non-coding transcript variant (1).
Genome position (GRCh38, 1-based): chr9:95,928,130, C>T. VCF-style: chr9-95928130-C-T. GRCh37 (hg19) VCF-style: chr9-98690412-C-T.
Other names: c.1585C>T, p.Leu529Phe (NM_001010895.4, NM_001375291.1, NM_001375292.1 and 2 more transcripts); short protein forms L529F.
Identifiers: ClinVar variation 3510036 (VCV003510036.3).
Genomic context (GRCh38, chr9:95,928,130, plus strand): 5'-CATTTTCAGGTCCTTCAGCAGCTTTTAAATCATTGCAGGAAAAACAGAGATAAAGTTCTT[C>T]TCTTTTCTTTTTCCACCAAGGTGAGTTCATCTAAAGTATATCCTTGATTGGCCAGCCTCA-3'
Protein context (NP_064592.3, residues 519-539): HCRKNRDKVL[Leu529Phe]FSFSTKLLDV